The following is an entry in ClinVar:

NM_022552.5(DNMT3A):c.640-1471G>A

Gene: DNMT3A (DNA methyltransferase 3 alpha; minus strand). Cytogenetic location: 2p23.3.
Variant type: single nucleotide variant.
Coding change: c.640-1471G>A on transcript NM_022552.5 (MANE Select); 1471 bases into the intron before coding-DNA position 640, G replaced by A.
Molecular consequence: intron variant. On other transcripts: synonymous variant (1).
Genome position (GRCh38, 1-based): chr2:25,249,723, C>T on the plus strand (G>A on the coding strand, the complement: DNMT3A is on the minus strand). VCF-style: chr2-25249723-C-T. GRCh37 (hg19) VCF-style: chr2-25472592-C-T.
Other names: c.6G>A, p.Gly2= (NM_153759.3); c.640-1471G>A (NM_175629.2); c.184-1471G>A (NM_001320893.1); c.-30-1471G>A (NM_001375819.1).
Identifiers: ClinVar variation 3057746 (VCV003057746.2), dbSNP rs753723952, ClinGen allele CA1556374.

ClinVar aggregate classification (germline): Likely benign (0 of 4 stars; one submission).

Conditions:
DNMT3A-related disorder. Also called: DNMT3A-related disorders; DNMT3A-related condition.

Allele frequency attached by ClinVar (database versions not stated): gnomAD exomes below 0.00001; TOPMed below 0.00001; ExAC 0.00001.
gnomAD v4.1: 7 of 1,614,210 alleles (0.00043%); highest among the groups gnomAD compares: Non-Finnish European, 0.00059%; no homozygotes.

Submission:

PreventionGenetics, part of Exact Sciences
Classification: Likely benign for DNMT3A-related condition. Last evaluated: 2023-10-04. Review status: no assertion criteria provided. Collection method: clinical testing. Allele origin: germline.
Comment: This variant is classified as likely benign based on ACMG/AMP sequence variant interpretation guidelines (Richards et al. 2015 PMID: 25741868, with internal and published modifications).